The following is an entry in ClinVar:

ClinVar aggregate classification (germline): Benign. Review status: criteria provided, multiple submitters, no conflicts (2 of 4 stars). 18 submissions from 18 submitters: Benign (15). 3 of the submissions do not count toward it. Last evaluated 2026-02-04.

Conditions:
Renal cell carcinoma. Identifiers: Orphanet 217071, MedGen C0007134, MeSH D002292, MONDO:0005086, HP:0005584.
Autosomal recessive nonsyndromic hearing loss 97. Also called: Deafness, autosomal recessive 97. Identifiers: Orphanet 90636, MedGen C4084709, MONDO:0014739, OMIM 616705.
Hereditary cancer-predisposing syndrome. Also called: Hereditary neoplastic syndrome; Tumor predisposition; Neoplastic Syndromes, Hereditary; Hereditary Cancer Syndrome. Identifiers: Orphanet 140162, MedGen C0027672, MeSH D009386, MONDO:0015356.
Papillary renal cell carcinoma type 1 (RCCP1). Also called: RENAL CELL CARCINOMA, PAPILLARY, 1, SOMATIC; Renal adenocarcinoma; Renal cell carcinoma 1; Renal cell carcinoma, somatic. Identifiers: Orphanet 47044, MedGen C1336839, OMIM 605074, HP:0011797.

Allele frequency attached by ClinVar (database versions not stated): gnomAD exomes 0.04539 and 0.05658; TOPMed 0.07242; 1000 Genomes Project 0.08846; 1000 Genomes Project 30x 0.08916; ExAC 0.05972; ESP Exome Variant Server 0.06966; gnomAD 0.07196 and 0.07211.
gnomAD v4.1: 77,825 of 1,613,868 alleles (4.8%); highest among the groups gnomAD compares: African/African-American, 14%; 2,680 homozygotes.

Submissions (18):

Labcorp Genetics (formerly Invitae), Labcorp
Classification: Benign for Renal cell carcinoma. Last evaluated: 2026-02-04. Review status: criteria provided, single submitter. Criteria: Invitae Variant Classification Sherloc (09022015). Collection method: clinical testing. Allele origin: germline.

ARUP Laboratories, Molecular Genetics and Genomics, ARUP Laboratories
Classification: Benign. Last evaluated: 2025-06-17. Review status: criteria provided, single submitter. Criteria: ARUP Molecular Germline Variant Investigation Process 2024. Collection method: clinical testing. Allele origin: germline.

Center for Genomic Medicine, Rigshospitalet, Copenhagen University Hospital
Classification: Benign. Last evaluated: 2025-03-04. Review status: criteria provided, single submitter. Criteria: ACMG Guidelines, 2015. Collection method: clinical testing. Allele origin: germline.

Myriad Genetics, Inc.
Classification: Benign for Papillary renal cell carcinoma type 1. Last evaluated: 2024-11-06. Review status: criteria provided, single submitter. Criteria: Myriad Autosomal Dominant, Autosomal Recessive and X-Linked Classification Criteria (2023). Collection method: clinical testing. Allele origin: unknown.
Comment: This variant is considered benign. This variant is a silent/synonymous amino acid change and it is not expected to impact splicing.

KCCC/NGS Laboratory, Kuwait Cancer Control Center
Classification: Benign for Papillary renal cell carcinoma type 1. Last evaluated: 2023-07-07. Review status: criteria provided, single submitter. Criteria: ACMG Guidelines, 2015. Collection method: clinical testing. Allele origin: germline. Affected: yes.

Genome-Nilou Lab
Classification: Benign for Autosomal recessive nonsyndromic hearing loss 97. Last evaluated: 2021-09-05. Review status: criteria provided, single submitter. Criteria: ACMG Guidelines, 2015. Collection method: clinical testing. Allele origin: germline. Affected: no.

Mayo Clinic Laboratories, Mayo Clinic
Classification: Benign. Last evaluated: 2021-04-26. Review status: criteria provided, single submitter. Criteria: ACMG Guidelines, 2015. Collection method: clinical testing. Allele origin: germline. Observed: 30 variant alleles.

Athena Diagnostics
Classification: Benign. Last evaluated: 2018-09-12. Review status: criteria provided, single submitter. Criteria: Athena Diagnostics Criteria. Collection method: clinical testing. Allele origin: germline.

Illumina Laboratory Services, Illumina
Classification: Benign for Papillary renal cell carcinoma type 1. Last evaluated: 2018-01-13. Review status: criteria provided, single submitter. Criteria: ICSL Variant Classification Criteria 13 December 2019. Collection method: clinical testing. Allele origin: germline.
Comment: This variant was observed in the ICSL laboratory as part of a predisposition screen in an ostensibly healthy population. It had not been previously curated by ICSL or reported in the Human Gene Mutation Database (HGMD: prior to June 1st, 2018), and was therefore a candidate for classification through an automated scoring system. Utilizing variant allele frequency, disease prevalence and penetrance estimates, and inheritance mode, an automated score was calculated to assess if this variant is too frequent to cause the disease. Based on the score and internal cut-off values, a variant classified as benign is not then subjected to further curation. The score for this variant resulted in a classification of benign for this disease.

Women's Health and Genetics/Laboratory Corporation of America, LabCorp
Classification: Benign. Last evaluated: 2016-08-18. Review status: criteria provided, single submitter. Criteria: LabCorp Variant Classification Summary - May 2015. Collection method: clinical testing. Allele origin: germline.
Comment: Variant summary: The MET c.534C>T (p.Ser178Ser) variant causes a synonymous change involving a non-conserved nucleotide with 5/5 splice prediction tools predicting no significant impact on splicing. The variant of interest was observed in the large, broad control population, ExAC, with an allele frequency of 7173/120102 (1/16, 337 homozygotes), which significantly exceeds the estimated maximal expected allele frequency for a pathogenic MET variant o f 1/666666. Multiple reputable clinical laboratories have cited the variant as "benign." Therefore, the variant of interest has been classified as Benign.

GeneDx
Classification: Benign. Last evaluated: 2015-12-18. Review status: criteria provided, single submitter. Criteria: GeneDx Variant Classification (06012015). Collection method: clinical testing. Allele origin: germline. Affected: yes.
Comment: This variant is considered likely benign or benign based on one or more of the following criteria: it is a conservative change, it occurs at a poorly conserved position in the protein, it is predicted to be benign by multiple in silico algorithms, and/or has population frequency not consistent with disease.

Ambry Genetics
Classification: Benign for Hereditary cancer-predisposing syndrome. Last evaluated: 2014-11-28. Review status: criteria provided, single submitter. Criteria: Ambry Variant Classification Scheme 2023. Collection method: clinical testing. Allele origin: germline.

Eurofins Ntd Llc (ga)
Classification: Benign. Last evaluated: 2012-10-09. Review status: criteria provided, single submitter. Criteria: EGL Classification Definitions 2015. Collection method: clinical testing. Allele origin: germline. Observed: 7 variant alleles, 7 heterozygotes.

Breakthrough Genomics
Classification: Benign. Review status: criteria provided, single submitter. Criteria: ACMG Guidelines, 2015. Collection method: not provided. Allele origin: germline. Inheritance: Autosomal recessive inheritance. Affected: yes.

PreventionGenetics, part of Exact Sciences
Classification: Benign. Review status: criteria provided, single submitter. Criteria: ACMG Guidelines, 2015. Collection method: clinical testing. Allele origin: germline.

Clinical Genetics, Academic Medical Center
Classification: Benign. Review status: no assertion criteria provided. Collection method: clinical testing. Allele origin: germline. Affected: yes. Study: VKGL Data-share Consensus. Not counted in ClinVar's aggregate classification.

Genome Diagnostics Laboratory, University Medical Center Utrecht
Classification: Benign. Review status: no assertion criteria provided. Collection method: clinical testing. Allele origin: germline. Affected: yes. Study: VKGL Data-share Consensus. Not counted in ClinVar's aggregate classification.

Joint Genome Diagnostic Labs from Nijmegen and Maastricht, Radboudumc and MUMC+
Classification: Benign. Review status: no assertion criteria provided. Collection method: clinical testing. Allele origin: germline. Affected: yes. Study: VKGL Data-share Consensus. Not counted in ClinVar's aggregate classification.

NM_000245.4(MET):c.534C>T (p.Ser178=)

Gene: MET (MET proto-oncogene, receptor tyrosine kinase; plus strand). Cytogenetic location: 7q31.2.
Variant type: single nucleotide variant.
Coding change: c.534C>T on transcript NM_000245.4 (MANE Select); coding-DNA position 534, C replaced by T.
Protein change: p.Ser178=; no amino-acid change (serine 178 retained).
Molecular consequence: synonymous variant. On other transcripts: intron variant (1).
Genome position (GRCh38, 1-based): chr7:116,699,618, C>T. VCF-style: chr7-116699618-C-T. GRCh37 (hg19) VCF-style: chr7-116339672-C-T.
Other names: p.Ser178=; c.534C>T, p.Ser178= (NM_001127500.3, NM_001324401.3); c.-91+27041C>T (NM_001324402.2).
Identifiers: ClinVar variation 93578 (VCV000093578.48), dbSNP rs35775721, ClinGen allele CA147102.